The following is an entry in ClinVar:

ClinVar aggregate classification (germline): Conflicting classifications of pathogenicity. Review status: criteria provided, conflicting classifications (1 of 4 stars). 6 submissions from 6 submitters: Uncertain significance (2); Benign (1); Likely benign (2). 1 of the submissions does not count toward it. Last evaluated 2026-01-28.

Conditions:
Holocarboxylase synthetase deficiency. Also called: MULTIPLE CARBOXYLASE DEFICIENCY, EARLY ONSET. Identifiers: Orphanet 79242, MedGen C0268581, MONDO:0009666, OMIM 253270.

Allele frequency attached by ClinVar (database versions not stated): gnomAD 0.00017 and 0.00018; TOPMed 0.00026; gnomAD exomes 0.00027 and 0.00034; ExAC 0.00037; ESP Exome Variant Server 0.00038; 1000 Genomes Project 30x 0.00078; 1000 Genomes Project 0.00080.
gnomAD v4.1: 441 of 1,613,964 alleles (0.027%); highest among the groups gnomAD compares: Middle Eastern, 0.43%; 1 homozygote.

Submissions (6):

Labcorp Genetics (formerly Invitae), Labcorp
Classification: Likely benign for Holocarboxylase synthetase deficiency. Last evaluated: 2026-01-28. Review status: criteria provided, single submitter. Criteria: Invitae Variant Classification Sherloc (09022015). Collection method: clinical testing. Allele origin: germline.

Genome-Nilou Lab
Classification: Likely benign for Holocarboxylase synthetase deficiency. Last evaluated: 2021-05-18. Review status: criteria provided, single submitter. Criteria: ACMG Guidelines, 2015. Collection method: clinical testing. Allele origin: germline. Affected: no.

CeGaT Center for Human Genetics Tuebingen
Classification: Uncertain significance. Last evaluated: 2020-12-01. Review status: criteria provided, single submitter. Criteria: CeGaT Center For Human Genetics Tuebingen Variant Classification Criteria Version 2. Collection method: clinical testing. Allele origin: germline. Affected: yes. Observed: 1 variant allele.

Illumina Laboratory Services, Illumina
Classification: Uncertain significance for Holocarboxylase synthetase deficiency. Last evaluated: 2018-01-13. Review status: criteria provided, single submitter. Criteria: ICSL Variant Classification Criteria 13 December 2019. Collection method: clinical testing. Allele origin: germline.

GeneDx
Classification: Benign. Last evaluated: 2013-12-13. Review status: criteria provided, single submitter. Criteria: GeneDx Variant Classification (06012015). Collection method: clinical testing. Allele origin: germline. Affected: yes.
Comment: This variant is considered likely benign or benign based on one or more of the following criteria: it is a conservative change, it occurs at a poorly conserved position in the protein, it is predicted to be benign by multiple in silico algorithms, and/or has population frequency not consistent with disease.

Natera, Inc.
Classification: Uncertain significance for Holocarboxylase synthetase deficiency. Last evaluated: 2020-01-09. Review status: no assertion criteria provided. Collection method: clinical testing. Allele origin: germline. Not counted in ClinVar's aggregate classification.

NM_001352514.2(HLCS):c.2615G>A (p.Arg872Gln)

Gene: HLCS (holocarboxylase synthetase; minus strand). Cytogenetic location: 21q22.13.
Variant type: single nucleotide variant.
Coding change: c.2615G>A on transcript NM_001352514.2 (MANE Select); coding-DNA position 2615, G replaced by A.
Protein change: p.Arg872Gln; replaces arginine 872 with glutamine.
Molecular consequence: missense variant. On other transcripts: non-coding transcript variant (2).
Genome position (GRCh38, 1-based): chr21:36,754,253, C>T on the plus strand (G>A on the coding strand, the complement: HLCS is on the minus strand). VCF-style: chr21-36754253-C-T. GRCh37 (hg19) VCF-style: chr21-38126554-C-T.
Other names: p.R725Q:CGG>CAG; c.2174G>A, p.Arg725Gln (NM_000411.8, NM_001242784.3, NM_001242785.2 and 4 more transcripts); short protein forms R725Q, R872Q.
Identifiers: ClinVar variation 137547 (VCV000137547.57), dbSNP rs147474255, ClinGen allele CA291174.